The following is an entry in ClinVar:

ClinVar aggregate classification (germline): Likely benign. Review status: criteria provided, multiple submitters, no conflicts (2 of 4 stars). 2 submissions from 2 submitters: Likely benign (2). Last evaluated 2025-12-19.

Conditions:
Malignant hyperthermia, susceptibility to, 1 (MHS1). Also called: Anesthesia related hyperthermia; Malignant hyperpyrexia; Fulminating hyperpyrexia; Pharmacogenic myopathy; RYR1-Related Malignant Hyperthermia Susceptibility; Malignant hyperthermia suceptibility 1. Identifiers: Orphanet 423, MedGen C2930980, MONDO:0007783, OMIM 145600.
RYR1-related disorder. Also called: RYR1-related condition; RYR1-related disorders. Identifiers: MedGen CN239331.

Allele frequency attached by ClinVar (database versions not stated): gnomAD 0.00002.
gnomAD v4.1: 24 of 1,613,930 alleles (0.0015%); highest among the groups gnomAD compares: Admixed American, 0.005%; no homozygotes.

Submissions (2):

Labcorp Genetics (formerly Invitae), Labcorp
Classification: Likely benign for RYR1-related disorder. Last evaluated: 2025-12-19. Review status: criteria provided, single submitter. Criteria: Invitae Variant Classification Sherloc (09022015). Collection method: clinical testing. Allele origin: germline.

All of Us Research Program, National Institutes of Health
Classification: Likely benign for Malignant hyperthermia, susceptibility to, 1. Last evaluated: 2024-01-11. Review status: criteria provided, single submitter. Criteria: ACMG Guidelines, 2015. Collection method: clinical testing. Allele origin: germline. Inheritance: Autosomal dominant inheritance. Observed: 4 variant alleles, 4 heterozygotes.
Comment: This study involves interpretation of variants in research participants for the purpose of population health screening. Participant phenotype was not available at the time of variant classification. Additional details can be found in publication PMID: 35346344, PMCID: PMC8962531

NM_000540.3(RYR1):c.6468C>T (p.Leu2156=)

Gene: RYR1 (ryanodine receptor 1; plus strand). Cytogenetic location: 19q13.2.
Variant type: single nucleotide variant.
Coding change: c.6468C>T on transcript NM_000540.3 (MANE Select); coding-DNA position 6468, C replaced by T.
Protein change: p.Leu2156=; no amino-acid change (leucine 2156 retained).
Molecular consequence: synonymous variant.
Genome position (GRCh38, 1-based): chr19:38,494,545, C>T. VCF-style: chr19-38494545-C-T. GRCh37 (hg19) VCF-style: chr19-38985185-C-T.
Other names: c.6468C>T, p.Leu2156= (NM_001042723.2).
Identifiers: ClinVar variation 3015055 (VCV003015055.4), dbSNP rs139714680, ClinGen allele CA068280.